The following is an entry in ClinVar:

ClinVar aggregate classification (germline): Uncertain significance (1 of 4 stars; one submission).

Conditions:
Inborn genetic diseases. Identifiers: MedGen C0950123, MeSH D030342.

Submission:

Ambry Genetics
Classification: Uncertain significance for Inborn genetic diseases. Last evaluated: 2017-05-26. Review status: criteria provided, single submitter. Criteria: Ambry Variant Classification Scheme 2023. Collection method: clinical testing. Allele origin: germline.
Comment: The p.D12G variant (also known as c.35A>G), located in coding exon 1 of the SCN8A gene, results from an A to G substitution at nucleotide position 35. The aspartic acid at codon 12 is replaced by glycine, an amino acid with similar properties. This amino acid position is well conserved in available vertebrate species. In addition, the in silico prediction for this alteration is inconclusive. Since supporting evidence is limited at this time, the clinical significance of this alteration remains unclear.

NM_001330260.2(SCN8A):c.35A>G (p.Asp12Gly)

Genes: SCN8A (sodium voltage-gated channel alpha subunit 8; plus strand), LOC114803470 (SCN8A eExon liver enhancer; plus strand). Cytogenetic location: 12q13.13.
Variant type: single nucleotide variant.
Coding change: c.35A>G on transcript NM_001330260.2 (MANE Select); coding-DNA position 35, A replaced by G.
Protein change: p.Asp12Gly; replaces aspartic acid 12 with glycine.
Molecular consequence: missense variant.
Genome position (GRCh38, 1-based): chr12:51,662,852, A>G. VCF-style: chr12-51662852-A-G. GRCh37 (hg19) VCF-style: chr12-52056636-A-G.
Other names: c.35A>G, p.Asp12Gly (NM_001177984.3, NM_001369788.1, NM_014191.4); short protein forms D12G.
Identifiers: ClinVar variation 589120 (VCV000589120.6), dbSNP rs1565878368, ClinGen allele CA385227442.